The following is an entry in ClinVar:

ClinVar aggregate classification (germline): Uncertain significance (1 of 4 stars; one submission).

Conditions:
Glycogen storage disease type III (GSD3). Also called: FORBES DISEASE; Cori disease. Identifiers: Orphanet 366, MedGen C0017922, MONDO:0009291, OMIM 232400.

Submission:

Labcorp Genetics (formerly Invitae), Labcorp
Classification: Uncertain significance for Glycogen storage disease type III. Last evaluated: 2022-06-03. Review status: criteria provided, single submitter. Criteria: Invitae Variant Classification Sherloc (09022015). Collection method: clinical testing. Allele origin: germline.
Comment: This variant is a gross deletion of the genomic region encompassing exon(s) 3-5 of the AGL gene. This variant would be expected to be in-frame, preserving the integrity of the reading frame. This variant has not been reported in the literature in individuals affected with AGL-related conditions. Experimental studies and prediction algorithms are not available or were not evaluated, and the functional significance of this variant is currently unknown. In summary, the available evidence is currently insufficient to determine the role of this variant in disease. Therefore, it has been classified as a Variant of Uncertain Significance.

NC_000001.10:g.(?_100327039)_(100330165_?)del

Gene: AGL (amylo-alpha-1,6-glucosidase and 4-alpha-glucanotransferase; plus strand). Cytogenetic location: 1p21.2.
Variant type: Deletion.
Identifiers: ClinVar variation 2423339 (VCV002423339.3).